The following is an entry in ClinVar:

NM_138387.4(G6PC3):c.538G>A (p.Ala180Thr)

Gene: G6PC3 (glucose-6-phosphatase catalytic subunit 3; plus strand). Cytogenetic location: 17q21.31.
Variant type: single nucleotide variant.
Coding change: c.538G>A on transcript NM_138387.4 (MANE Select); coding-DNA position 538, G replaced by A.
Protein change: p.Ala180Thr; replaces alanine 180 with threonine.
Molecular consequence: missense variant.
Genome position (GRCh38, 1-based): chr17:44,075,312, G>A. VCF-style: chr17-44075312-G-A. GRCh37 (hg19) VCF-style: chr17-42152680-G-A.
Other names: c.419G>A, p.Arg140His (NM_001319945.2); c.193G>A, p.Ala65Thr (NM_001384165.1, NM_001384166.1, NM_001384167.1 and 1 more transcripts); short protein forms A65T, R140H, A180T.
Identifiers: ClinVar variation 3518059 (VCV003518059.3).

ClinVar aggregate classification (germline): Uncertain significance. Review status: criteria provided, multiple submitters, no conflicts (2 of 4 stars). 2 submissions from 2 submitters: Uncertain significance (2). Last evaluated 2024-11-25.

Conditions:
Inborn genetic diseases. Identifiers: MedGen C0950123, MeSH D030342.
Autosomal recessive severe congenital neutropenia due to G6PC3 deficiency. Also called: NEUTROPENIA, SEVERE CONGENITAL, 4, AUTOSOMAL RECESSIVE; G6PC3 Deficiency. Identifiers: Orphanet 331176, MedGen C2751630, MONDO:0012930, OMIM 612541.

gnomAD v4.1: 10 of 1,614,130 alleles (0.00062%); highest among the groups gnomAD compares: South Asian, 0.0011%; no homozygotes.

Submissions (2):

Ambry Genetics
Classification: Uncertain significance for Inborn genetic diseases. Last evaluated: 2024-11-25. Review status: criteria provided, single submitter. Criteria: Ambry Variant Classification Scheme 2023. Collection method: clinical testing. Allele origin: germline.
Comment: The p.A180T variant (also known as c.538G>A), located in coding exon 5 of the G6PC3 gene, results from a G to A substitution at nucleotide position 538. The alanine at codon 180 is replaced by threonine, an amino acid with similar properties. This amino acid position is conserved. In addition, this alteration is predicted to be tolerated by in silico analysis. Based on the available evidence, the clinical significance of this variant remains unclear.

Labcorp Genetics (formerly Invitae), Labcorp
Classification: Uncertain significance for Autosomal recessive severe congenital neutropenia due to G6PC3 deficiency. Last evaluated: 2024-04-11. Review status: criteria provided, single submitter. Criteria: Invitae Variant Classification Sherloc (09022015). Collection method: clinical testing. Allele origin: germline.
Comment: This sequence change replaces alanine, which is neutral and non-polar, with threonine, which is neutral and polar, at codon 180 of the G6PC3 protein (p.Ala180Thr). This variant is not present in population databases (gnomAD no frequency). This variant has not been reported in the literature in individuals affected with G6PC3-related conditions. An algorithm developed to predict the effect of missense changes on protein structure and function (PolyPhen-2) suggests that this variant is likely to be tolerated. In summary, the available evidence is currently insufficient to determine the role of this variant in disease. Therefore, it has been classified as a Variant of Uncertain Significance.